The following is an entry in ClinVar:

ClinVar aggregate classification (germline): Likely benign. Review status: criteria provided, single submitter (1 of 4 stars). 2 submissions from 2 submitters: Likely benign (1). 1 of the submissions does not count toward it. Last evaluated 2022-10-03.

Conditions:
Microcephaly, normal intelligence and immunodeficiency (NBS). Also called: Nijmegen breakage syndrome; Microcephaly with normal intelligence immunodeficiency and lymphoreticular malignancies; Nonsyndromal microcephaly autosomal recessive with normal intelligence; Seemanova syndrome 2; SEEMANOVA SYNDROME II; IMMUNODEFICIENCY, MICROCEPHALY, AND CHROMOSOMAL INSTABILITY. Identifiers: Orphanet 647, MedGen C0398791, MONDO:0009623, OMIM 251260.
Malignant tumor of breast. Also called: Malignant breast neoplasm; Cancer breast. Identifiers: MedGen C0006142, MONDO:0007254. Disease mechanism: loss of function.

Allele frequency attached by ClinVar (database versions not stated): gnomAD exomes below 0.00001.
gnomAD v4.1: 2 of 1,578,652 alleles (0.00013%); highest among the groups gnomAD compares: Non-Finnish European, 0.00017%; no homozygotes.

Submissions (2):

Labcorp Genetics (formerly Invitae), Labcorp
Classification: Likely benign for Microcephaly, normal intelligence and immunodeficiency. Last evaluated: 2022-10-03. Review status: criteria provided, single submitter. Criteria: Invitae Variant Classification Sherloc (09022015). Collection method: clinical testing. Allele origin: germline.

Department of Pathology and Laboratory Medicine, Sinai Health System
Classification: Likely benign for Malignant tumor of breast. Review status: no assertion criteria provided. Collection method: clinical testing. Allele origin: unknown. Affected: yes. Study: The Canadian Open Genetics Repository (COGR). Not counted in ClinVar's aggregate classification.
Comment: The NBN c.481-11C>T variant was not identified in the literature nor was it identified in the dbSNP, ClinVar, or LOVD 3.0 databases. The variant was not identified in the following control databases: the Exome Aggregation Consortium (August 8th 2016) or the Genome Aggregation Database (Feb 27, 2017). The c.481-11C>T variant is located in the 3' splice region but does not affect the invariant -1 and -2 positions, although positions -3 and -5 to -12 are part of the splicing consensus sequence and variants involving these positions sometimes affect splicing. However, in silico or computational prediction software programs (SpliceSiteFinder, MaxEntScan, NNSPLICE, GeneSplicer) do not predict a difference in splicing. In summary, based on the above information, the clinical significance of this variant cannot be determined with certainty at this time although we would lean towards a more benign role for this variant. This variant is classified as likely benign.

NM_002485.5(NBN):c.481-11C>T

Gene: NBN (nibrin; minus strand). Cytogenetic location: 8q21.3.
Variant type: single nucleotide variant.
Coding change: c.481-11C>T on transcript NM_002485.5 (MANE Select); 11 bases into the intron before coding-DNA position 481, C replaced by T.
Molecular consequence: intron variant.
Genome position (GRCh38, 1-based): chr8:89,978,334, G>A on the plus strand (C>T on the coding strand, the complement: NBN is on the minus strand). VCF-style: chr8-89978334-G-A. GRCh37 (hg19) VCF-style: chr8-90990562-G-A.
Other names: c.235-11C>T (NM_001024688.3).
Identifiers: ClinVar variation 1049532 (VCV001049532.7), dbSNP rs2129890419, ClinGen allele CA2499219441.
Genomic context (GRCh38, chr8:89,978,334, plus strand): 5'-AAATATTCTGGCTTTACAATTGGACGTCCACAAATGAGTGCACATATTGTCTACAATGAA[G>A]AAAACATGTGAATATATATATTCACATGCTAGCATTTTTTAAAGAAAAGTTTTAAGTTAT-3'